The following is an entry in ClinVar:

ClinVar aggregate classification (germline): Likely benign (0 of 4 stars; one submission).

Conditions:
SMC3-related disorder. Also called: SMC3-related condition.

Allele frequency attached by ClinVar (database versions not stated): gnomAD exomes below 0.00001; gnomAD 0.00001; TOPMed 0.00001.
gnomAD v4.1: 7 of 1,592,300 alleles (0.00044%); highest among the groups gnomAD compares: Non-Finnish European, 0.0006%; no homozygotes.

Submission:

PreventionGenetics, part of Exact Sciences
Classification: Likely benign for SMC3-related condition. Last evaluated: 2022-03-11. Review status: no assertion criteria provided. Collection method: clinical testing. Allele origin: germline.
Comment: This variant is classified as likely benign based on ACMG/AMP sequence variant interpretation guidelines (Richards et al. 2015 PMID: 25741868, with internal and published modifications).

NM_005445.4(SMC3):c.270+8A>G

Gene: SMC3 (structural maintenance of chromosomes 3; plus strand). Cytogenetic location: 10q25.2.
Variant type: single nucleotide variant.
Coding change: c.270+8A>G on transcript NM_005445.4 (MANE Select); 8 bases into the intron after coding-DNA position 270, A replaced by G.
Molecular consequence: intron variant.
Genome position (GRCh38, 1-based): chr10:110,577,500, A>G. VCF-style: chr10-110577500-A-G. GRCh37 (hg19) VCF-style: chr10-112337258-A-G.
Identifiers: ClinVar variation 3045339 (VCV003045339.2), dbSNP rs1564788838, ClinGen allele CA471370197.